The following is an entry in ClinVar:

ClinVar aggregate classification (germline): Likely benign. Review status: criteria provided, multiple submitters, no conflicts (2 of 4 stars). 2 submissions from 2 submitters: Likely benign (2). Last evaluated 2017-12-22.

Allele frequency attached by ClinVar (database versions not stated): 1000 Genomes Project 30x 0.00047; gnomAD 0.00052 and 0.00055; 1000 Genomes Project 0.00060; TOPMed 0.00060; gnomAD exomes 0.00083 and 0.00112; ExAC 0.00105; ESP Exome Variant Server 0.00123.
gnomAD v4.1: 1,679 of 1,613,788 alleles (0.1%); highest among the groups gnomAD compares: South Asian, 0.19%; 2 homozygotes.

Submissions (2):

GeneDx
Classification: Likely benign. Last evaluated: 2017-12-22. Review status: criteria provided, single submitter. Criteria: GeneDx Variant Classification (06012015). Collection method: clinical testing. Allele origin: germline. Affected: yes.
Comment: This variant is considered likely benign or benign based on one or more of the following criteria: it is a conservative change, it occurs at a poorly conserved position in the protein, it is predicted to be benign by multiple in silico algorithms, and/or has population frequency not consistent with disease.

Laboratory for Molecular Medicine, Mass General Brigham Personalized Medicine
Classification: Likely benign. Last evaluated: 2012-11-29. Review status: criteria provided, single submitter. Criteria: LMM Criteria. Collection method: clinical testing. Allele origin: germline. Observed: 3 variant alleles.
Comment: Arg768Trp in exon 22 of MYO1A: This variant is not expected to have clinical sig nificance because it has been identified in 0.2% (16/8600) of European American chromosomes from a broad population by the NHLBI Exome Sequencing Project (dbSNP rs143613424)

NM_005379.4(MYO1A):c.2302C>T (p.Arg768Trp)

Gene: MYO1A (myosin IA; minus strand). Cytogenetic location: 12q13.3.
Variant type: single nucleotide variant.
Coding change: c.2302C>T on transcript NM_005379.4 (MANE Select); coding-DNA position 2302, C replaced by T.
Protein change: p.Arg768Trp; replaces arginine 768 with tryptophan.
Molecular consequence: missense variant.
Genome position (GRCh38, 1-based): chr12:57,036,354, G>A on the plus strand (C>T on the coding strand, the complement: MYO1A is on the minus strand). VCF-style: chr12-57036354-G-A. GRCh37 (hg19) VCF-style: chr12-57430138-G-A.
Other names: c.2302C>T, p.Arg768Trp (NM_001256041.2); short protein forms R768W.
Identifiers: ClinVar variation 45309 (VCV000045309.5), dbSNP rs143613424, ClinGen allele CA136006.